The following is an entry in ClinVar:

ClinVar aggregate classification (germline): Uncertain significance (1 of 4 stars; one submission).

Allele frequency attached by ClinVar (database versions not stated): TOPMed 0.00006; gnomAD 0.00009 and 0.00011; ExAC 0.00012; gnomAD exomes 0.00013 and 0.00024.
gnomAD v4.1: 356 of 1,613,746 alleles (0.022%); highest among the groups gnomAD compares: Non-Finnish European, 0.029%; no homozygotes.

Submission:

Labcorp Genetics (formerly Invitae), Labcorp
Classification: Uncertain significance. Last evaluated: 2023-08-18. Review status: criteria provided, single submitter. Criteria: Invitae Variant Classification Sherloc (09022015). Collection method: clinical testing. Allele origin: germline.
Comment: This sequence change replaces glycine, which is neutral and non-polar, with arginine, which is basic and polar, at codon 1118 of the ADGRB2 protein (p.Gly1118Arg). This variant is present in population databases (rs199560963, gnomAD 0.03%). This variant has not been reported in the literature in individuals affected with ADGRB2-related conditions. ClinVar contains an entry for this variant (Variation ID: 1469370). An algorithm developed to predict the effect of missense changes on protein structure and function (PolyPhen-2) suggests that this variant is likely to be tolerated. In summary, the available evidence is currently insufficient to determine the role of this variant in disease. Therefore, it has been classified as a Variant of Uncertain Significance.

NM_001364857.2(ADGRB2):c.3352G>A (p.Gly1118Arg)

Gene: ADGRB2 (adhesion G protein-coupled receptor B2; minus strand). Cytogenetic location: 1p35.2.
Variant type: single nucleotide variant.
Coding change: c.3352G>A on transcript NM_001364857.2 (MANE Select); coding-DNA position 3352, G replaced by A.
Protein change: p.Gly1118Arg; replaces glycine 1118 with arginine.
Molecular consequence: missense variant.
Genome position (GRCh38, 1-based): chr1:31,735,581, C>T on the plus strand (G>A on the coding strand, the complement: ADGRB2 is on the minus strand). VCF-style: chr1-31735581-C-T. GRCh37 (hg19) VCF-style: chr1-32201182-C-T.
Other names: c.3352G>A, p.Gly1118Arg (NM_001294335.2, NM_001294336.2); short protein forms G1118R.
Identifiers: ClinVar variation 1469370 (VCV001469370.8), dbSNP rs199560963, ClinGen allele CA735356.